The following is an entry in ClinVar:

NM_001458.5(FLNC):c.2811+1G>T

Gene: FLNC (filamin C; plus strand). Cytogenetic location: 7q32.1.
Variant type: single nucleotide variant.
Coding change: c.2811+1G>T on transcript NM_001458.5 (MANE Select); the canonical splice donor site of the intron after coding-DNA position 2811, G replaced by T.
Molecular consequence: splice donor variant.
Genome position (GRCh38, 1-based): chr7:128,843,578, G>T. VCF-style: chr7-128843578-G-T. GRCh37 (hg19) VCF-style: chr7-128483632-G-T.
Other names: c.2811+1G>T (NM_001127487.2).
Identifiers: ClinVar variation 1506596 (VCV001506596.8), dbSNP rs2128936028, ClinGen allele CA369193333.

ClinVar aggregate classification (germline): Likely pathogenic (1 of 4 stars; one submission).

Conditions:
Hypertrophic cardiomyopathy 26. Also called: Cardiomyopathy, familial hypertrophic, 26. Identifiers: Orphanet 75249, MedGen C4310749, MONDO:0014883, OMIM 617047.
Myofibrillar myopathy 5. Also called: Filaminopathy (type); FILAMINOPATHY, AUTOSOMAL DOMINANT. Identifiers: Orphanet 171445, MedGen C1836050, MONDO:0012289, OMIM 609524.
Distal myopathy with posterior leg and anterior hand involvement. Also called: WILLIAMS DISTAL MYOPATHY. Identifiers: Orphanet 63273, MedGen C3279722, MONDO:0013550, OMIM 614065.

Submission:

Labcorp Genetics (formerly Invitae), Labcorp
Classification: Likely pathogenic for Distal myopathy with posterior leg and anterior hand involvement; Myofibrillar myopathy 5; Hypertrophic cardiomyopathy 26. Last evaluated: 2021-06-03. Review status: criteria provided, single submitter. Criteria: Invitae Variant Classification Sherloc (09022015). Collection method: clinical testing. Allele origin: germline.
Comment: In summary, the currently available evidence indicates that the variant is pathogenic, but additional data are needed to prove that conclusively. Therefore, this variant has been classified as Likely Pathogenic. Algorithms developed to predict the effect of sequence changes on RNA splicing suggest that this variant may disrupt the consensus splice site, but this prediction has not been confirmed by published transcriptional studies. This variant has not been reported in the literature in individuals with FLNC-related conditions. This variant is not present in population databases (ExAC no frequency). This sequence change affects a donor splice site in intron 18 of the FLNC gene. It is expected to disrupt RNA splicing. Variants that disrupt the donor or acceptor splice site typically lead to a loss of protein function (PMID: 16199547), and loss-of-function variants in FLNC are known to be pathogenic (PMID: 27908349).

Literature cited by the submitters: PubMed 16199547; PubMed 27908349.